The following is an entry in ClinVar:

NM_001098484.3(SLC4A4):c.1014C>T (p.His338=)

Gene: SLC4A4 (solute carrier family 4 member 4; plus strand). Cytogenetic location: 4q13.3.
Variant type: single nucleotide variant.
Coding change: c.1014C>T on transcript NM_001098484.3 (MANE Select); coding-DNA position 1014, C replaced by T.
Protein change: p.His338=; no amino-acid change (histidine 338 retained).
Molecular consequence: synonymous variant.
Genome position (GRCh38, 1-based): chr4:71,447,694, C>T. VCF-style: chr4-71447694-C-T. GRCh37 (hg19) VCF-style: chr4-72313411-C-T.
Other names: p.His338=; c.1014C>T, p.His338= (NM_001134742.2); c.882C>T, p.His294= (NM_003759.4).
Identifiers: ClinVar variation 349540 (VCV000349540.17), dbSNP rs34373561, ClinGen allele CA2954720.
Genomic context (GRCh38, chr4:71,447,694, plus strand): 5'-CTTTTCCATTAGGTTCTTGTTCATTCTCTTAGGTCCTAAGGGGAAAGCCAAGTCCTACCA[C>T]GAGATTGGCAGAGCCATTGCCACCCTGATGTCTGATGAGGTAGGAAATCAGGAAGATGGA-3'
Protein context (NP_001091954.1, residues 328-348): LGPKGKAKSY[His338=]EIGRAIATLM

ClinVar aggregate classification (germline): Benign/Likely benign. Review status: criteria provided, multiple submitters, no conflicts (2 of 4 stars). 6 submissions from 6 submitters: Benign (5); Likely benign (1). Last evaluated 2026-02-03.

Conditions:
Autosomal recessive proximal renal tubular acidosis (PRTAO). Also called: RTA, PROXIMAL, AUTOSOMAL RECESSIVE; RENAL TUBULAR ACIDOSIS, PROXIMAL, WITH OCULAR ABNORMALITIES AND MENTAL RETARDATION; PROXIMAL RENAL TUBULAR ACIDOSIS-OCULAR ANOMALY SYNDROME; RENAL TUBULAR ACIDOSIS, PROXIMAL, WITH OCULAR ABNORMALITIES AND IMPAIRED INTELLECTUAL DEVELOPMENT. Identifiers: Orphanet 93607, MedGen C1970309, MONDO:0011422, OMIM 604278.

Allele frequency attached by ClinVar (database versions not stated): ESP Exome Variant Server 0.01938; gnomAD 0.03058 and 0.03123; gnomAD exomes 0.03147 and 0.04851; 1000 Genomes Project 0.03514; 1000 Genomes Project 30x 0.03795; TOPMed 0.03973; ExAC 0.04201.
gnomAD v4.1: 50,531 of 1,612,258 alleles (3.1%); highest among the groups gnomAD compares: Admixed American, 19%; 1,785 homozygotes.

Submissions (6):

Labcorp Genetics (formerly Invitae), Labcorp
Classification: Benign. Last evaluated: 2026-02-03. Review status: criteria provided, single submitter. Criteria: Invitae Variant Classification Sherloc (09022015). Collection method: clinical testing. Allele origin: germline.

Blueprint Genetics
Classification: Likely benign. Last evaluated: 2024-11-26. Review status: criteria provided, single submitter. Criteria: ACMG Guidelines, 2015. Collection method: clinical testing. Allele origin: germline.

Mayo Clinic Laboratories, Mayo Clinic
Classification: Benign. Last evaluated: 2022-03-09. Review status: criteria provided, single submitter. Criteria: ACMG Guidelines, 2015. Collection method: clinical testing. Allele origin: germline. Observed: 13 variant alleles.

GeneDx
Classification: Benign. Last evaluated: 2021-05-05. Review status: criteria provided, single submitter. Criteria: GeneDx Variant Classification Process June 2021. Collection method: clinical testing. Allele origin: germline. Affected: yes.

Illumina Laboratory Services, Illumina
Classification: Benign for Autosomal recessive proximal renal tubular acidosis. Last evaluated: 2018-01-12. Review status: criteria provided, single submitter. Criteria: ICSL Variant Classification Criteria 13 December 2019. Collection method: clinical testing. Allele origin: germline.
Comment: This variant was observed in the ICSL laboratory as part of a predisposition screen in an ostensibly healthy population. It had not been previously curated by ICSL or reported in the Human Gene Mutation Database (HGMD: prior to June 1st, 2018), and was therefore a candidate for classification through an automated scoring system. Utilizing variant allele frequency, disease prevalence and penetrance estimates, and inheritance mode, an automated score was calculated to assess if this variant is too frequent to cause the disease. Based on the score and internal cut-off values, a variant classified as benign is not then subjected to further curation. The score for this variant resulted in a classification of benign for this disease.

Breakthrough Genomics
Classification: Benign. Review status: criteria provided, single submitter. Criteria: ACMG Guidelines, 2015. Collection method: not provided. Allele origin: germline. Inheritance: Autosomal recessive inheritance. Affected: yes.